The following is an entry in ClinVar:

NM_000343.4(SLC5A1):c.536T>C (p.Leu179Ser)

Gene: SLC5A1 (solute carrier family 5 member 1; plus strand). Cytogenetic location: 22q12.3.
Variant type: single nucleotide variant.
Coding change: c.536T>C on transcript NM_000343.4 (MANE Select); coding-DNA position 536, T replaced by C.
Protein change: p.Leu179Ser; replaces leucine 179 with serine.
Molecular consequence: missense variant.
Genome position (GRCh38, 1-based): chr22:32,081,924, T>C. VCF-style: chr22-32081924-T-C. GRCh37 (hg19) VCF-style: chr22-32477911-T-C.
Other names: c.155T>C, p.Leu52Ser (NM_001256314.2); short protein forms L52S, L179S.
Identifiers: ClinVar variation 1374089 (VCV001374089.7), dbSNP rs2149491664, ClinGen allele CA411302324.

ClinVar aggregate classification (germline): Uncertain significance. Review status: criteria provided, multiple submitters, no conflicts (2 of 4 stars). 2 submissions from 2 submitters: Uncertain significance (2). Last evaluated 2023-12-27.

Conditions:
Congenital glucose-galactose malabsorption (GGM). Also called: MONOSACCHARIDE MALABSORPTION; DIARRHEA 16. Identifiers: Orphanet 35710, MedGen C0268186, MONDO:0011731, OMIM 606824.

gnomAD v4.1: 3 of 1,613,878 alleles (0.00019%); highest among the groups gnomAD compares: Non-Finnish European, 0.00025%; no homozygotes.

Submissions (2):

Fulgent Genetics
Classification: Uncertain significance for Congenital glucose-galactose malabsorption. Last evaluated: 2023-12-27. Review status: criteria provided, single submitter. Criteria: ACMG Guidelines, 2015. Collection method: clinical testing. Allele origin: germline.

Labcorp Genetics (formerly Invitae), Labcorp
Classification: Uncertain significance for Congenital glucose-galactose malabsorption. Last evaluated: 2023-12-07. Review status: criteria provided, single submitter. Criteria: Invitae Variant Classification Sherloc (09022015). Collection method: clinical testing. Allele origin: germline.
Comment: This sequence change replaces leucine, which is neutral and non-polar, with serine, which is neutral and polar, at codon 179 of the SLC5A1 protein (p.Leu179Ser). This variant is not present in population databases (gnomAD no frequency). This variant has not been reported in the literature in individuals affected with SLC5A1-related conditions. ClinVar contains an entry for this variant (Variation ID: 1374089). Advanced modeling of protein sequence and biophysical properties (such as structural, functional, and spatial information, amino acid conservation, physicochemical variation, residue mobility, and thermodynamic stability) performed at Invitae indicates that this missense variant is not expected to disrupt SLC5A1 protein function with a negative predictive value of 80%. In summary, the available evidence is currently insufficient to determine the role of this variant in disease. Therefore, it has been classified as a Variant of Uncertain Significance.